The following is an entry in ClinVar:

NM_001013838.3(CARMIL2):c.914C>A (p.Ala305Asp)

Gene: CARMIL2 (capping protein regulator and myosin 1 linker 2; plus strand). Cytogenetic location: 16q22.1.
Variant type: single nucleotide variant.
Coding change: c.914C>A on transcript NM_001013838.3 (MANE Select); coding-DNA position 914, C replaced by A.
Protein change: p.Ala305Asp; replaces alanine 305 with aspartic acid.
Molecular consequence: missense variant.
Genome position (GRCh38, 1-based): chr16:67,647,722, C>A. VCF-style: chr16-67647722-C-A. GRCh37 (hg19) VCF-style: chr16-67681625-C-A.
Other names: c.914C>A, p.Ala305Asp (NM_001317026.3); short protein forms A305D.
Identifiers: ClinVar variation 3676756 (VCV003676756.2).
Genomic context (GRCh38, chr16:67,647,722, plus strand): 5'-CTGTTCCCACCCCCCAAGGCATGACTGCACTCAGCAGACACCTCGAGCGTTGTCCAGGAG[C>A]CCTGAGGAGACTCAGCCTGGCCCAGACAGGGTTGACACCGCGAGGTAGGCTGGATGAGGG-3'
Protein context (NP_001013860.1, residues 295-315): LSRHLERCPG[Ala305Asp]LRRLSLAQTG

ClinVar aggregate classification (germline): Uncertain significance (1 of 4 stars; one submission).

Submission:

Labcorp Genetics (formerly Invitae), Labcorp
Classification: Uncertain significance. Last evaluated: 2024-12-17. Review status: criteria provided, single submitter. Criteria: Invitae Variant Classification Sherloc (09022015). Collection method: clinical testing. Allele origin: germline.
Comment: This sequence change replaces alanine, which is neutral and non-polar, with aspartic acid, which is acidic and polar, at codon 305 of the CARMIL2 protein (p.Ala305Asp). The frequency data for this variant in the population databases is considered unreliable, as metrics indicate poor data quality at this position in the gnomAD database. This variant has not been reported in the literature in individuals affected with CARMIL2-related conditions. Invitae Evidence Modeling of protein sequence and biophysical properties (such as structural, functional, and spatial information, amino acid conservation, physicochemical variation, residue mobility, and thermodynamic stability) indicates that this missense variant is not expected to disrupt CARMIL2 protein function with a negative predictive value of 80%. In summary, the available evidence is currently insufficient to determine the role of this variant in disease. Therefore, it has been classified as a Variant of Uncertain Significance.